The following is an entry in ClinVar:

ClinVar aggregate classification (germline): Uncertain significance (1 of 4 stars; one submission).

Submission:

Labcorp Genetics (formerly Invitae), Labcorp
Classification: Uncertain significance. Last evaluated: 2025-05-07. Review status: criteria provided, single submitter. Criteria: Invitae Variant Classification Sherloc (09022015). Collection method: clinical testing. Allele origin: germline.
Comment: This sequence change falls in intron 39 of the MYO7A gene. It does not directly change the encoded amino acid sequence of the MYO7A protein. It affects a nucleotide within the consensus splice site. This variant is not present in population databases (gnomAD no frequency). This variant has not been reported in the literature in individuals affected with MYO7A-related conditions. Variants that disrupt the consensus splice site are a relatively common cause of aberrant splicing (PMID: 17576681, 9536098). Algorithms developed to predict the effect of sequence changes on RNA splicing suggest that this variant is not likely to affect RNA splicing. In summary, the available evidence is currently insufficient to determine the role of this variant in disease. Therefore, it has been classified as a Variant of Uncertain Significance.

Literature cited by the submitters: PubMed 17576681; PubMed 9536098.

NM_000260.4(MYO7A):c.5480+3G>A

Gene: MYO7A (myosin VIIA; plus strand). Cytogenetic location: 11q13.5.
Variant type: single nucleotide variant.
Coding change: c.5480+3G>A on transcript NM_000260.4 (MANE Select); 3 bases into the intron after coding-DNA position 5480, G replaced by A.
Molecular consequence: intron variant.
Genome position (GRCh38, 1-based): chr11:77,204,232, G>A. VCF-style: chr11-77204232-G-A. GRCh37 (hg19) VCF-style: chr11-76915277-G-A.
Other names: c.5333+3G>A (NM_001369365.1); c.5366+3G>A (NM_001127180.2).
Identifiers: ClinVar variation 4803826 (VCV004803826.1).